The following is an entry in ClinVar:

ClinVar aggregate classification (germline): Uncertain significance. Review status: criteria provided, single submitter (1 of 4 stars). 2 submissions from 2 submitters: Uncertain significance (1). 1 of the submissions does not count toward it. Last evaluated 2021-01-19.

Conditions:
Autosomal recessive retinitis pigmentosa. Identifiers: MedGen C0339526.

Allele frequency attached by ClinVar (database versions not stated): gnomAD exomes 0.00001 and 0.00002; gnomAD 0.00004 and 0.00005; ExAC 0.00005; TOPMed 0.00005; 1000 Genomes Project 30x 0.00031; 1000 Genomes Project 0.00040.
gnomAD v4.1: 15 of 1,413,438 alleles (0.0011%); highest among the groups gnomAD compares: African/African-American, 0.015%; no homozygotes.

Submissions (2):

Labcorp Genetics (formerly Invitae), Labcorp
Classification: Uncertain significance. Last evaluated: 2021-01-19. Review status: criteria provided, single submitter. Criteria: Invitae Variant Classification Sherloc (09022015). Collection method: clinical testing. Allele origin: germline.
Comment: This sequence change falls in intron 21 of the EYS gene. It does not directly change the encoded amino acid sequence of the EYS protein. It affects a nucleotide within the consensus splice site of the intron. This variant is present in population databases (rs75242532, ExAC 0.05%). This variant has not been reported in the literature in individuals with EYS-related conditions. ClinVar contains an entry for this variant (Variation ID: 990051). Nucleotide substitutions within the consensus splice site are a relatively common cause of aberrant splicing (PMID: 17576681, 9536098). Algorithms developed to predict the effect of sequence changes on RNA splicing suggest that this variant is not likely to affect RNA splicing, but this prediction has not been confirmed by published transcriptional studies. In summary, the available evidence is currently insufficient to determine the role of this variant in disease. Therefore, it has been classified as a Variant of Uncertain Significance.

Natera, Inc.
Classification: Uncertain significance for Autosomal recessive retinitis pigmentosa. Last evaluated: 2020-07-22. Review status: no assertion criteria provided. Collection method: clinical testing. Allele origin: germline. Not counted in ClinVar's aggregate classification.

Literature cited by the submitters: PubMed 17576681 (cited by Labcorp Genetics (formerly Invitae), Labcorp); PubMed 9536098 (cited by Labcorp Genetics (formerly Invitae), Labcorp).

NM_001142800.2(EYS):c.3243+3A>G

Gene: EYS (eyes shut homolog; minus strand). Cytogenetic location: 6q12.
Variant type: single nucleotide variant.
Coding change: c.3243+3A>G on transcript NM_001142800.2 (MANE Select); 3 bases into the intron after coding-DNA position 3243, A replaced by G.
Molecular consequence: intron variant.
Genome position (GRCh38, 1-based): chr6:64,821,642, T>C on the plus strand (A>G on the coding strand, the complement: EYS is on the minus strand). VCF-style: chr6-64821642-T-C. GRCh37 (hg19) VCF-style: chr6-65531535-T-C.
Other names: c.3243+3A>G (NM_001292009.2).
Identifiers: ClinVar variation 990051 (VCV000990051.3), dbSNP rs75242532, ClinGen allele CA3877204.